The following is an entry in ClinVar:

NM_198253.3(TERT):c.1538G>A (p.Ser513Asn)

Gene: TERT (telomerase reverse transcriptase; minus strand). Cytogenetic location: 5p15.33.
Variant type: single nucleotide variant.
Coding change: c.1538G>A on transcript NM_198253.3 (MANE Select); coding-DNA position 1538, G replaced by A.
Protein change: p.Ser513Asn; replaces serine 513 with asparagine.
Molecular consequence: missense variant. On other transcripts: non-coding transcript variant (2).
Genome position (GRCh38, 1-based): chr5:1,293,348, C>T on the plus strand (G>A on the coding strand, the complement: TERT is on the minus strand). VCF-style: chr5-1293348-C-T. GRCh37 (hg19) VCF-style: chr5-1293463-C-T.
Other names: c.1538G>A, p.Ser513Asn (NM_001193376.3, NM_003219.1); short protein forms S513N.
Identifiers: ClinVar variation 1972358 (VCV001972358.5), dbSNP rs2478407990, ClinGen allele CA359085120.

ClinVar aggregate classification (germline): Uncertain significance (1 of 4 stars; one submission).

Conditions:
Dyskeratosis congenita, autosomal dominant 2. Identifiers: MedGen C3151443, MONDO:0013521, OMIM 613989.
Idiopathic Pulmonary Fibrosis. Also called: Idiopathic fibrosing alveolitis, chronic form; idiopathic fibrosing alveolitis. Identifiers: Orphanet 2032, MedGen C1800706, MeSH D054990, MONDO:0800504.

Submission:

Labcorp Genetics (formerly Invitae), Labcorp
Classification: Uncertain significance for Dyskeratosis congenita, autosomal dominant 2; Idiopathic Pulmonary Fibrosis. Last evaluated: 2021-12-15. Review status: criteria provided, single submitter. Criteria: Invitae Variant Classification Sherloc (09022015). Collection method: clinical testing. Allele origin: germline.
Comment: This variant is not present in population databases (gnomAD no frequency). This sequence change replaces serine, which is neutral and polar, with asparagine, which is neutral and polar, at codon 513 of the TERT protein (p.Ser513Asn). This variant has not been reported in the literature in individuals affected with TERT-related conditions. In summary, the available evidence is currently insufficient to determine the role of this variant in disease. Therefore, it has been classified as a Variant of Uncertain Significance. Advanced modeling of protein sequence and biophysical properties (such as structural, functional, and spatial information, amino acid conservation, physicochemical variation, residue mobility, and thermodynamic stability) performed at Invitae indicates that this missense variant is not expected to disrupt TERT protein function.